The following is an entry in ClinVar:

ClinVar aggregate classification (germline): Uncertain significance (1 of 4 stars; one submission).

gnomAD v4.1: 2 of 1,614,158 alleles (0.00012%); highest among the groups gnomAD compares: Non-Finnish European, 0.00017%; no homozygotes.

Submission:

Labcorp Genetics (formerly Invitae), Labcorp
Classification: Uncertain significance. Last evaluated: 2023-12-06. Review status: criteria provided, single submitter. Criteria: Invitae Variant Classification Sherloc (09022015). Collection method: clinical testing. Allele origin: germline.
Comment: This sequence change replaces proline, which is neutral and non-polar, with leucine, which is neutral and non-polar, at codon 186 of the COL4A1 protein (p.Pro186Leu). This variant is not present in population databases (gnomAD no frequency). This variant has not been reported in the literature in individuals affected with COL4A1-related conditions. ClinVar contains an entry for this variant (Variation ID: 2137412). Advanced modeling of protein sequence and biophysical properties (such as structural, functional, and spatial information, amino acid conservation, physicochemical variation, residue mobility, and thermodynamic stability) performed at Invitae indicates that this missense variant is not expected to disrupt COL4A1 protein function with a negative predictive value of 95%. In summary, the available evidence is currently insufficient to determine the role of this variant in disease. Therefore, it has been classified as a Variant of Uncertain Significance.

NM_001845.6(COL4A1):c.557C>T (p.Pro186Leu)

Gene: COL4A1 (collagen type IV alpha 1 chain; minus strand). Cytogenetic location: 13q34.
Variant type: single nucleotide variant.
Coding change: c.557C>T on transcript NM_001845.6 (MANE Select); coding-DNA position 557, C replaced by T.
Protein change: p.Pro186Leu; replaces proline 186 with leucine.
Molecular consequence: missense variant.
Genome position (GRCh38, 1-based): chr13:110,210,038, G>A on the plus strand (C>T on the coding strand, the complement: COL4A1 is on the minus strand). VCF-style: chr13-110210038-G-A. GRCh37 (hg19) VCF-style: chr13-110862385-G-A.
Other names: c.557C>T, p.Pro186Leu (NM_001303110.2); short protein forms P186L.
Identifiers: ClinVar variation 2137412 (VCV002137412.4), dbSNP rs1204668914, ClinGen allele CA388725540.
Genomic context (GRCh38, chr13:110,210,038, plus strand): 5'-ACTGGTGGTCCGGTAAATCCTGGAGGCCCAACAGGACCTTGAAGCCCTGGCAGTCCTGGT[G>A]GGCCCTAGAATGCATGAGAAAGAAATGAGTTCAGATGCGAACTGGGAGGGTGAGGTGGCA-3'
Protein context (NP_001836.3, residues 176-196): GFPGIPGTPG[Pro186Leu]PGLPGLQGPV